The following is an entry in ClinVar:

NM_005560.6(LAMA5):c.3105del (p.Ser1036fs)

Gene: LAMA5 (laminin subunit alpha 5; minus strand). Cytogenetic location: 20q13.33.
Variant type: Deletion.
Coding change: c.3105del on transcript NM_005560.6 (MANE Select); coding-DNA position 3105, one base deleted (C; older notation c.3105delC).
Protein change: p.Ser1036fs; shifts the reading frame from serine 1036.
Molecular consequence: frameshift variant.
Genome position (GRCh38, 1-based): chr20:62,333,398, G deleted on the plus strand (C on the coding strand, the reverse complement: LAMA5 is on the minus strand); the first of 3 consecutive G bases (chr20:62,333,398-62,333,400); deleting any one gives the same sequence. VCF-style (leftmost placement, unchanged base first): chr20-62333397-AG-A. GRCh37 (hg19) VCF-style: chr20-60908453-AG-A.
Other names: short protein forms S1036fs.
Identifiers: ClinVar variation 2720860 (VCV002720860.3), dbSNP rs2516116047, ClinGen allele CA2697547472.

ClinVar aggregate classification (germline): Uncertain significance (1 of 4 stars; one submission).

Submission:

Labcorp Genetics (formerly Invitae), Labcorp
Classification: Uncertain significance. Last evaluated: 2024-04-23. Review status: criteria provided, single submitter. Criteria: Invitae Variant Classification Sherloc (09022015). Collection method: clinical testing. Allele origin: germline.
Comment: This sequence change creates a premature translational stop signal (p.Ser1036Leufs*52) in the LAMA5 gene. It is expected to result in an absent or disrupted protein product. However, the current clinical and genetic evidence is not sufficient to establish whether loss-of-function variants in LAMA5 cause disease. This variant is not present in population databases (gnomAD no frequency). This variant has not been reported in the literature in individuals affected with LAMA5-related conditions. Experimental studies and prediction algorithms are not available or were not evaluated, and the functional significance of this variant is currently unknown. In summary, the available evidence is currently insufficient to determine the role of this variant in disease. Therefore, it has been classified as a Variant of Uncertain Significance.